The following is an entry in ClinVar:

NM_001453.3(FOXC1):c.1250G>A (p.Gly417Glu)

Gene: FOXC1 (forkhead box C1; plus strand). Cytogenetic location: 6p25.3.
Variant type: single nucleotide variant.
Coding change: c.1250G>A on transcript NM_001453.3 (MANE Select); coding-DNA position 1250, G replaced by A.
Protein change: p.Gly417Glu; replaces glycine 417 with glutamic acid.
Molecular consequence: missense variant.
Genome position (GRCh38, 1-based): chr6:1,611,695, G>A. VCF-style: chr6-1611695-G-A. GRCh37 (hg19) VCF-style: chr6-1611930-G-A.
Other names: short protein forms G417E.
Identifiers: ClinVar variation 3593375 (VCV003593375.2).

ClinVar aggregate classification (germline): Uncertain significance. Review status: criteria provided, multiple submitters, no conflicts (2 of 4 stars). 2 submissions from 2 submitters: Uncertain significance (2). Last evaluated 2025-05-26.

Conditions:
Axenfeld-Rieger syndrome type 3 (RIEG3). Also called: AXENFELD-RIEGER ANOMALY WITH CARDIAC DEFECTS AND/OR SENSORINEURAL HEARING LOSS. Identifiers: Orphanet 782, MedGen C2678503, MONDO:0011233, OMIM 602482.
Anterior segment dysgenesis 3 (ASGD3). Also called: IRIDOGONIODYSGENESIS ANOMALY, AUTOSOMAL DOMINANT; Glaucoma iridogoniodysplasia, familial. Identifiers: Orphanet 91483, MedGen C5975707, MONDO:0024456, OMIM 601631.

Submissions (2):

Labcorp Genetics (formerly Invitae), Labcorp
Classification: Uncertain significance for Axenfeld-Rieger syndrome type 3. Last evaluated: 2025-05-26. Review status: criteria provided, single submitter. Criteria: Invitae Variant Classification Sherloc (09022015). Collection method: clinical testing. Allele origin: germline.
Comment: This sequence change replaces glycine, which is neutral and non-polar, with glutamic acid, which is acidic and polar, at codon 417 of the FOXC1 protein (p.Gly417Glu). This variant is not present in population databases (gnomAD no frequency). This variant has not been reported in the literature in individuals affected with FOXC1-related conditions. ClinVar contains an entry for this variant (Variation ID: 3593375). An algorithm developed to predict the effect of missense changes on protein structure and function (PolyPhen-2) suggests that this variant is likely to be tolerated. In summary, the available evidence is currently insufficient to determine the role of this variant in disease. Therefore, it has been classified as a Variant of Uncertain Significance.

Fulgent Genetics
Classification: Uncertain significance for Anterior segment dysgenesis 3; Axenfeld-Rieger syndrome type 3. Last evaluated: 2024-02-19. Review status: criteria provided, single submitter. Criteria: ACMG Guidelines, 2015. Collection method: clinical testing. Allele origin: germline.